The following is an entry in ClinVar:

ClinVar aggregate classification (germline): Uncertain significance. Review status: criteria provided, multiple submitters, no conflicts (2 of 4 stars). 3 submissions from 3 submitters: Uncertain significance (3). Last evaluated 2025-04-28.

Conditions:
Werner syndrome (WRN). Identifiers: Orphanet 902, MedGen C0043119, MONDO:0010196, OMIM 277700.

Allele frequency attached by ClinVar (database versions not stated): gnomAD exomes below 0.00001 and 0.00002; ExAC 0.00002; gnomAD 0.00004; TOPMed 0.00005; ESP Exome Variant Server 0.00008.
gnomAD v4.1: 11 of 1,613,114 alleles (0.00068%); highest among the groups gnomAD compares: African/African-American, 0.015%; no homozygotes.

Submissions (3):

Labcorp Genetics (formerly Invitae), Labcorp
Classification: Uncertain significance for Werner syndrome. Last evaluated: 2025-04-28. Review status: criteria provided, single submitter. Criteria: Invitae Variant Classification Sherloc (09022015). Collection method: clinical testing. Allele origin: germline.
Comment: This sequence change replaces threonine, which is neutral and polar, with isoleucine, which is neutral and non-polar, at codon 162 of the WRN protein (p.Thr162Ile). This variant is present in population databases (rs147661728, gnomAD 0.02%). This variant has not been reported in the literature in individuals affected with WRN-related conditions. ClinVar contains an entry for this variant (Variation ID: 949688). An algorithm developed to predict the effect of missense changes on protein structure and function (PolyPhen-2) suggests that this variant is likely to be disruptive. In summary, the available evidence is currently insufficient to determine the role of this variant in disease. Therefore, it has been classified as a Variant of Uncertain Significance.

Fulgent Genetics
Classification: Uncertain significance for Werner syndrome. Last evaluated: 2024-02-15. Review status: criteria provided, single submitter. Criteria: ACMG Guidelines, 2015. Collection method: clinical testing. Allele origin: germline.

Baylor Genetics
Classification: Uncertain significance for Werner syndrome. Last evaluated: 2020-01-07. Review status: criteria provided, single submitter. Criteria: ACMG Guidelines, 2015. Collection method: clinical testing. Allele origin: unknown. Affected: yes. Study: CSER-TexasKidsCanSeq.
Comment: This variant was determined to be of uncertain significance according to ACMG Guidelines, 2015 [PMID:25741868].

NM_000553.6(WRN):c.485C>T (p.Thr162Ile)

Gene: WRN (WRN RecQ like helicase; plus strand). Cytogenetic location: 8p12.
Variant type: single nucleotide variant.
Coding change: c.485C>T on transcript NM_000553.6 (MANE Select); coding-DNA position 485, C replaced by T.
Protein change: p.Thr162Ile; replaces threonine 162 with isoleucine.
Molecular consequence: missense variant.
Genome position (GRCh38, 1-based): chr8:31,065,044, C>T. VCF-style: chr8-31065044-C-T. GRCh37 (hg19) VCF-style: chr8-30922560-C-T.
Other names: short protein forms T162I.
Identifiers: ClinVar variation 949688 (VCV000949688.8), dbSNP rs147661728, ClinGen allele CA4704074.